The following is an entry in ClinVar:

ClinVar aggregate classification (germline): Pathogenic (1 of 4 stars; one submission).

Conditions:
Developmental and epileptic encephalopathy, 11 (DEE11). Also called: Early infantile epileptic encephalopathy 11. Identifiers: Orphanet 1934, MedGen C3150987, MONDO:0013388, OMIM 613721.
Seizures, benign familial infantile, 3 (BFIS3). Also called: CONVULSIONS, BENIGN FAMILIAL INFANTILE, 3; Familial neonatal seizures. Identifiers: Orphanet 140927, Orphanet 306, MedGen C1843140, MONDO:0011904, OMIM 607745.

Allele frequency attached by ClinVar (database versions not stated): ExAC 0.00002.

Submission:

Labcorp Genetics (formerly Invitae), Labcorp
Classification: Pathogenic for Seizures, benign familial infantile, 3; Developmental and epileptic encephalopathy, 11. Last evaluated: 2022-10-03. Review status: criteria provided, single submitter. Criteria: Invitae Variant Classification Sherloc (09022015). Collection method: clinical testing. Allele origin: germline.
Comment: For these reasons, this variant has been classified as Pathogenic. Advanced modeling of protein sequence and biophysical properties (such as structural, functional, and spatial information, amino acid conservation, physicochemical variation, residue mobility, and thermodynamic stability) performed at Invitae indicates that this missense variant is expected to disrupt SCN2A protein function. This missense change has been observed in individual(s) with clinical features of episodic ataxia (Invitae). In at least one individual the variant was observed to be de novo. This variant is present in population databases (rs774732610, gnomAD 0.001%). This sequence change replaces arginine, which is basic and polar, with glutamine, which is neutral and polar, at codon 1515 of the SCN2A protein (p.Arg1515Gln).

NM_001040142.2(SCN2A):c.4544G>A (p.Arg1515Gln)

Gene: SCN2A (sodium voltage-gated channel alpha subunit 2; plus strand). Cytogenetic location: 2q24.3.
Variant type: single nucleotide variant.
Coding change: c.4544G>A on transcript NM_001040142.2 (MANE Select); coding-DNA position 4544, G replaced by A.
Protein change: p.Arg1515Gln; replaces arginine 1515 with glutamine.
Molecular consequence: missense variant.
Genome position (GRCh38, 1-based): chr2:165,381,190, G>A. VCF-style: chr2-165381190-G-A. GRCh37 (hg19) VCF-style: chr2-166237700-G-A.
Other names: c.4544G>A, p.Arg1515Gln (NM_001040143.2, NM_001371246.1, NM_001371247.1 and 1 more transcripts); short protein forms R1515Q.
Identifiers: ClinVar variation 1987551 (VCV001987551.4), dbSNP rs774732610, ClinGen allele CA1940283.